The following is an entry in ClinVar:

NM_016169.4(SUFU):c.355G>C (p.Glu119Gln)

Gene: SUFU (SUFU negative regulator of hedgehog signaling; plus strand). Cytogenetic location: 10q24.32.
Variant type: single nucleotide variant.
Coding change: c.355G>C on transcript NM_016169.4 (MANE Select); coding-DNA position 355, G replaced by C.
Protein change: p.Glu119Gln; replaces glutamic acid 119 with glutamine.
Molecular consequence: missense variant.
Genome position (GRCh38, 1-based): chr10:102,550,007, G>C. VCF-style: chr10-102550007-G-C. GRCh37 (hg19) VCF-style: chr10-104309764-G-C.
Other names: c.355G>C, p.Glu119Gln (NM_001178133.2); short protein forms E119Q.
Identifiers: ClinVar variation 5030427 (VCV005030427.1).

ClinVar aggregate classification (germline): Uncertain significance (1 of 4 stars; one submission).

Conditions:
Hereditary cancer-predisposing syndrome. Also called: Neoplastic Syndromes, Hereditary; Tumor predisposition; Hereditary neoplastic syndrome; Hereditary Cancer Syndrome. Identifiers: Orphanet 140162, MedGen C0027672, MeSH D009386, MONDO:0015356.

Submission:

Ambry Genetics
Classification: Uncertain significance for Hereditary cancer-predisposing syndrome. Last evaluated: 2026-07-07. Review status: criteria provided, single submitter. Criteria: Ambry Variant Classification Scheme 2023. Collection method: clinical testing. Allele origin: germline.
Comment: The p.E119Q variant (also known as c.355G>C), located in coding exon 3 of the SUFU gene, results from a G to C substitution at nucleotide position 355. The glutamic acid at codon 119 is replaced by glutamine, an amino acid with highly similar properties. This amino acid position is conserved. In addition, this alteration is predicted to be deleterious by in silico analysis. Based on the available evidence, the clinical significance of this variant remains unclear.